The following is an entry in ClinVar:

NM_003289.4(TPM2):c.*7C>T

Gene: TPM2 (tropomyosin 2; minus strand). Cytogenetic location: 9p13.3.
Variant type: single nucleotide variant.
Coding change: c.*7C>T on transcript NM_003289.4 (MANE Select); 7 bases downstream of the stop codon, C replaced by T.
Molecular consequence: 3 prime UTR variant. On other transcripts: intron variant (2).
Genome position (GRCh38, 1-based): chr9:35,683,152, G>A on the plus strand (C>T on the coding strand, the complement: TPM2 is on the minus strand). VCF-style: chr9-35683152-G-A. GRCh37 (hg19) VCF-style: chr9-35683149-G-A.
Other names: c.*7C>T (NM_001301227.2); c.773-989C>T (NM_213674.1, NM_001301226.2).
Identifiers: ClinVar variation 94121 (VCV000094121.12), dbSNP rs79882576, ClinGen allele CA147640.

ClinVar aggregate classification (germline): Benign. Review status: criteria provided, multiple submitters, no conflicts (2 of 4 stars). 7 submissions from 6 submitters: Benign (7). Last evaluated 2018-01-12.

Conditions:
Congenital myopathy 23 (CMYO23). Also called: NEMALINE MYOPATHY 4; CAP MYOPATHY 2; Nemaline myopathy 4, autosomal dominant. Identifiers: MedGen C1836447, MONDO:0012240, OMIM 609285.
Arthrogryposis, distal, type 1A. Also called: ARTHROGRYPOSIS MULTIPLEX CONGENITA, DISTAL, TYPE I. Identifiers: Orphanet 1146, MedGen C6022280, MONDO:0007157, OMIM 108120.

Allele frequency attached by ClinVar (database versions not stated): ExAC 0.01881; 1000 Genomes Project 0.03674; 1000 Genomes Project 30x 0.03795; TOPMed 0.03913; ESP Exome Variant Server 0.04035.

Submissions (7):

Illumina Laboratory Services, Illumina
Classification: Benign for Congenital myopathy 23. Last evaluated: 2018-01-12. Review status: criteria provided, single submitter. Criteria: ICSL Variant Classification Criteria 13 December 2019. Collection method: clinical testing. Allele origin: germline.
Comment: This variant was observed in the ICSL laboratory as part of a predisposition screen in an ostensibly healthy population. It had not been previously curated by ICSL or reported in the Human Gene Mutation Database (HGMD: prior to June 1st, 2018), and was therefore a candidate for classification through an automated scoring system. Utilizing variant allele frequency, disease prevalence and penetrance estimates, and inheritance mode, an automated score was calculated to assess if this variant is too frequent to cause the disease. Based on the score and internal cut-off values, a variant classified as benign is not then subjected to further curation. The score for this variant resulted in a classification of benign for this disease.

Illumina Laboratory Services, Illumina
Classification: Benign for Arthrogryposis, distal, type 1A. Last evaluated: 2018-01-12. Review status: criteria provided, single submitter. Criteria: ICSL Variant Classification Criteria 13 December 2019. Collection method: clinical testing. Allele origin: germline.
Comment: the same text as in the submission from Illumina Laboratory Services, Illumina above.

Mayo Clinic Laboratories, Mayo Clinic
Classification: Benign. Last evaluated: 2017-10-11. Review status: criteria provided, single submitter. Criteria: ACMG Guidelines, 2015. Collection method: clinical testing. Allele origin: germline. Observed: 15 variant alleles.

GeneDx
Classification: Benign. Last evaluated: 2016-02-26. Review status: criteria provided, single submitter. Criteria: GeneDx Variant Classification (06012015). Collection method: clinical testing. Allele origin: germline. Affected: yes.
Comment: This variant is considered likely benign or benign based on one or more of the following criteria: it is a conservative change, it occurs at a poorly conserved position in the protein, it is predicted to be benign by multiple in silico algorithms, and/or has population frequency not consistent with disease.

Eurofins Ntd Llc (ga)
Classification: Benign. Last evaluated: 2013-01-29. Review status: criteria provided, single submitter. Criteria: EGL Classification Definitions 2015. Collection method: clinical testing. Allele origin: germline. Observed: 2 variant alleles, 2 heterozygotes.

Breakthrough Genomics
Classification: Benign. Review status: criteria provided, single submitter. Criteria: ACMG Guidelines, 2015. Collection method: not provided. Allele origin: germline. Inheritance: Autosomal dominant inheritance. Affected: yes.

PreventionGenetics, part of Exact Sciences
Classification: Benign. Review status: criteria provided, single submitter. Criteria: ACMG Guidelines, 2015. Collection method: clinical testing. Allele origin: germline.